The following is an entry in ClinVar:

NM_001387283.1(SMARCA4):c.4196A>G (p.Asp1399Gly)

Gene: SMARCA4 (SWI/SNF related BAF chromatin remodeling complex subunit ATPase 4; plus strand). Cytogenetic location: 19p13.2.
Variant type: single nucleotide variant.
Coding change: c.4196A>G on transcript NM_001387283.1 (MANE Plus Clinical); coding-DNA position 4196, A replaced by G.
Protein change: p.Asp1399Gly; replaces aspartic acid 1399 with glycine.
Molecular consequence: missense variant. On other transcripts: intron variant (7).
Genome position (GRCh38, 1-based): chr19:11,039,483, A>G. VCF-style: chr19-11039483-A-G. GRCh37 (hg19) VCF-style: chr19-11150159-A-G.
Other names: c.4196A>G, p.Asp1399Gly (NM_001128849.3); c.4097A>G, p.Asp1366Gly (NM_001411150.1); c.4171-1824A>G (NM_001128844.3, NM_003072.5); c.4072-1824A>G (NM_001128847.4, NM_001374457.1, NM_001128848.2); c.4072-1815A>G (NM_001128845.2, NM_001128846.2); c.4196A>G (NM_001128849.1); short protein forms D1366G, D1399G.
Identifiers: ClinVar variation 1938328 (VCV001938328.6), dbSNP rs2075450858, ClinGen allele CA404071247.
Genomic context (GRCh38, chr19:11,039,483, plus strand): 5'-AAACACTAAACAGACATTAAAAAATTTTGTTGTAGAAAATTACAGGAAAAGATATCCATG[A>G]CACAGCCAGCAGTGTGGCACGTGGGCTACAATTCCAGCGTGGCCTTCAGTTCTGCACACG-3'
Protein context (NP_001374212.1, residues 1389-1409): LKKITGKDIH[Asp1399Gly]TASSVARGLQ

ClinVar aggregate classification (germline): Uncertain significance. Review status: criteria provided, multiple submitters, no conflicts (2 of 4 stars). 2 submissions from 2 submitters: Uncertain significance (2). Last evaluated 2026-02-03.

Conditions:
Hereditary cancer-predisposing syndrome. Also called: Tumor predisposition; Hereditary neoplastic syndrome; Neoplastic Syndromes, Hereditary; Hereditary Cancer Syndrome. Identifiers: Orphanet 140162, MedGen C0027672, MeSH D009386, MONDO:0015356.
Rhabdoid tumor predisposition syndrome 2 (RTPS2). Identifiers: Orphanet 231108, Orphanet 69077, MedGen C2750074, MONDO:0013224, OMIM 613325.

Allele frequency attached by ClinVar (database versions not stated): TOPMed below 0.00001.

Submissions (2):

Labcorp Genetics (formerly Invitae), Labcorp
Classification: Uncertain significance for Rhabdoid tumor predisposition syndrome 2. Last evaluated: 2026-02-03. Review status: criteria provided, single submitter. Criteria: Invitae Variant Classification Sherloc (09022015). Collection method: clinical testing. Allele origin: germline.
Comment: This sequence change replaces aspartic acid, which is acidic and polar, with glycine, which is neutral and non-polar, at codon 1399 of the SMARCA4 protein (p.Asp1399Gly). This variant is not present in population databases (gnomAD no frequency). This variant has not been reported in the literature in individuals affected with SMARCA4-related conditions. ClinVar contains an entry for this variant (Variation ID: 1938328). An algorithm developed to predict the effect of missense changes on protein structure and function (PolyPhen-2) suggests that this variant is likely to be tolerated. In summary, the available evidence is currently insufficient to determine the role of this variant in disease. Therefore, it has been classified as a Variant of Uncertain Significance.

Ambry Genetics
Classification: Uncertain significance for Hereditary cancer-predisposing syndrome. Last evaluated: 2024-02-28. Review status: criteria provided, single submitter. Criteria: Ambry Variant Classification Scheme 2023. Collection method: clinical testing. Allele origin: germline.
Comment: The p.D1399G variant (also known as c.4196A>G), located in coding exon 29 of the SMARCA4 gene, results from an A to G substitution at nucleotide position 4196. The aspartic acid at codon 1399 is replaced by glycine, an amino acid with similar properties. This amino acid position is highly conserved in available vertebrate species. In addition, this alteration is predicted to be tolerated by in silico analysis. Based on the supporting evidence, the association of this alteration with Coffin-Siris syndrome is unknown; however, the association of this alteration with rhabdoid tumor predisposition syndrome is unlikely.